The following is an entry in ClinVar:

ClinVar aggregate classification (germline): Uncertain significance (1 of 4 stars; one submission).

Submission:

GeneDx
Classification: Uncertain significance. Last evaluated: 2019-06-15. Review status: criteria provided, single submitter. Criteria: GeneDx Variant Classification Process June 2021. Collection method: clinical testing. Allele origin: germline. Affected: yes.
Comment: Not observed in large population cohorts (Lek et al., 2016); Frameshift variant predicted to result in protein truncation as the last 103 amino acids are lost and replaced with 106 incorrect amino acids, although loss-of-function variants have not been reported downstream of this position in the protein; Has not been previously published as pathogenic or benign to our knowledge

NM_000142.5(FGFR3):c.2110_2126del (p.Phe704fs)

Gene: FGFR3 (fibroblast growth factor receptor 3; plus strand). Cytogenetic location: 4p16.3.
Variant type: Deletion.
Coding change: c.2110_2126del on transcript NM_000142.5 (MANE Select); coding-DNA positions 2110 to 2126, 17 bases deleted (TTCAAGCTGCTGAAGGA).
Protein change: p.Phe704fs; shifts the reading frame from phenylalanine 704.
Molecular consequence: frameshift variant. On other transcripts: non-coding transcript variant (1).
Genome position (GRCh38, 1-based): chr4:1,806,625-1,806,641, TTCAAGCTGCTGAAGGA deleted. VCF-style (leftmost placement, unchanged base first): chr4-1806624-CTTCAAGCTGCTGAAGGA-C. GRCh37 (hg19) VCF-style: chr4-1808351-CTTCAAGCTGCTGAAGGA-C.
Other names: c.2116_2132del, p.Phe706fs (NM_001163213.2); c.2113_2129del, p.Phe705fs (NM_001354809.2); c.2042_2058del, p.Leu681fs (NM_001354810.2); c.1774_1790del, p.Phe592fs (NM_022965.4); short protein forms F592fs, F704fs, F705fs, F706fs, L681fs.
Identifiers: ClinVar variation 1306204 (VCV001306204.2), dbSNP rs2108812167, ClinGen allele CA2573052318.